The following is an entry in ClinVar:

NM_004260.4(RECQL4):c.615C>G (p.Pro205=)

Gene: RECQL4 (RecQ like helicase 4; minus strand). Cytogenetic location: 8q24.3.
Variant type: single nucleotide variant.
Coding change: c.615C>G on transcript NM_004260.4 (MANE Select); coding-DNA position 615, C replaced by G.
Protein change: p.Pro205=; no amino-acid change (proline 205 retained).
Molecular consequence: synonymous variant.
Genome position (GRCh38, 1-based): chr8:144,516,504, G>C on the plus strand (C>G on the coding strand, the complement: RECQL4 is on the minus strand). VCF-style: chr8-144516504-G-C. GRCh37 (hg19) VCF-style: chr8-145741888-G-C.
Identifiers: ClinVar variation 239780 (VCV000239780.54), dbSNP rs35639991, ClinGen allele CA4949236.

ClinVar aggregate classification (germline): Conflicting classifications of pathogenicity. Review status: criteria provided, conflicting classifications (1 of 4 stars). 11 submissions from 11 submitters: Uncertain significance (1); Benign (3); Likely benign (5). 2 of the submissions do not count toward it. Last evaluated 2026-03-01.

Conditions:
Inborn genetic diseases. Identifiers: MedGen C0950123, MeSH D030342.
Hereditary cancer-predisposing syndrome. Also called: Tumor predisposition; Hereditary Cancer Syndrome; Neoplastic Syndromes, Hereditary; Hereditary neoplastic syndrome. Identifiers: Orphanet 140162, MedGen C0027672, MeSH D009386, MONDO:0015356.
Baller-Gerold syndrome (BGS). Also called: CRANIOSYNOSTOSIS WITH RADIAL DEFECTS. Identifiers: Orphanet 1225, MedGen C0265308, MONDO:0009039, OMIM 218600.

Allele frequency attached by ClinVar (database versions not stated): 1000 Genomes Project 0.00020; 1000 Genomes Project 30x 0.00062; TOPMed 0.00147; gnomAD 0.00151 and 0.00159; gnomAD exomes 0.00185 and 0.00238; ESP Exome Variant Server 0.00202; ExAC 0.00275.
gnomAD v4.1: 3,664 of 1,608,960 alleles (0.23%); highest among the groups gnomAD compares: Non-Finnish European, 0.29%; 7 homozygotes.

Submissions (11):

CeGaT Center for Human Genetics Tuebingen
Classification: Likely benign. Last evaluated: 2026-03-01. Review status: criteria provided, single submitter. Criteria: CeGaT Center For Human Genetics Tuebingen Variant Classification Criteria Version 2. Collection method: clinical testing. Allele origin: germline. Affected: yes. Observed: 18 variant alleles.
Comment: RECQL4: BP4, BP7

Labcorp Genetics (formerly Invitae), Labcorp
Classification: Benign for Baller-Gerold syndrome. Last evaluated: 2026-01-25. Review status: criteria provided, single submitter. Criteria: Invitae Variant Classification Sherloc (09022015). Collection method: clinical testing. Allele origin: germline.

Blueprint Genetics
Classification: Likely benign. Last evaluated: 2024-10-18. Review status: criteria provided, single submitter. Criteria: ACMG Guidelines, 2015. Collection method: clinical testing. Allele origin: germline.

Ambry Genetics
Classification: Likely benign for Inborn genetic diseases. Last evaluated: 2024-10-02. Review status: criteria provided, single submitter. Criteria: Ambry Variant Classification Scheme 2023. Collection method: clinical testing. Allele origin: germline.

Institute for Clinical Genetics, University Hospital TU Dresden, University Hospital TU Dresden
Classification: Uncertain significance. Last evaluated: 2021-11-03. Review status: criteria provided, single submitter. Criteria: ACMG Guidelines, 2015. Collection method: clinical testing. Allele origin: germline.

Genetic Services Laboratory, University of Chicago
Classification: Benign. Last evaluated: 2021-05-19. Review status: criteria provided, single submitter. Criteria: ACMG Guidelines, 2015. Collection method: clinical testing. Allele origin: germline. Affected: no.

GeneDx
Classification: Likely benign. Last evaluated: 2020-12-14. Review status: criteria provided, single submitter. Criteria: GeneDx Variant Classification Process June 2021. Collection method: clinical testing. Allele origin: germline. Affected: yes.

Sema4
Classification: Benign for Hereditary cancer-predisposing syndrome. Last evaluated: 2020-10-20. Review status: criteria provided, single submitter. Criteria: Sema4 Curation Guidelines. Collection method: curation. Allele origin: germline.

Eurofins Ntd Llc (ga)
Classification: Likely benign. Last evaluated: 2017-10-23. Review status: criteria provided, single submitter. Criteria: EGL Classification Definitions 2015. Collection method: clinical testing. Allele origin: germline. Observed: 1 variant allele, 1 heterozygote.

Genome Diagnostics Laboratory, Amsterdam University Medical Center
Classification: Likely benign. Review status: no assertion criteria provided. Collection method: clinical testing. Allele origin: germline. Affected: yes. Study: VKGL Data-share Consensus. Not counted in ClinVar's aggregate classification.

Genome Diagnostics Laboratory, University Medical Center Utrecht
Classification: Likely benign. Review status: no assertion criteria provided. Collection method: clinical testing. Allele origin: germline. Affected: yes. Study: VKGL Data-share Consensus. Not counted in ClinVar's aggregate classification.